The following is an entry in ClinVar:

NM_022455.5(NSD1):c.788_789del (p.Thr263fs)

Gene: NSD1 (nuclear receptor binding SET domain protein 1; plus strand). Cytogenetic location: 5q35.3.
Variant type: Microsatellite.
Coding change: c.788_789del on transcript NM_022455.5 (MANE Select); coding-DNA positions 788 to 789, 2 bases deleted (CA; older notation c.788_789delCA).
Protein change: p.Thr263fs; shifts the reading frame from threonine 263.
Molecular consequence: frameshift variant. On other transcripts: intron variant (8).
Genome position (GRCh38, 1-based): chr5:177,135,891-177,135,892, CA deleted; deleting any 2 consecutive bases within chr5:177,135,888-177,135,892 gives the same sequence; the c. name uses the placement nearest the transcript's 3' end. VCF-style (leftmost placement, unchanged base first): chr5-177135887-GAC-G. GRCh37 (hg19) VCF-style: chr5-176562888-GAC-G.
Other names: c.788_789del (NM_022455.4); c.788_789del, p.Thr263fs (NM_001409301.1, NM_001409302.1, NM_001409303.1); c.418-50_418-49del (NM_001409304.1); c.-36-50_-36-49del (NM_001409305.1, NM_001409306.1, NM_001409308.1 and 4 more transcripts); short protein forms T263fs.
Identifiers: ClinVar variation 1038565 (VCV001038565.10), dbSNP rs1756282703, ClinGen allele CA1603513394.
Genomic context (GRCh38, chr5:177,135,887, plus strand): 5'-AATGAAGTGGACGGCAGCAATGAAAAAGCAGCCCTTCTCCCAGCCCCCTTTTCACTAGGA[GAC>G]ACAAACATTACAATAGAAGAGCAATTAAACTCAATAAATTTATCTTTTCAGGATGATCCA-3'

ClinVar aggregate classification (germline): Conflicting classifications of pathogenicity. Review status: criteria provided, conflicting classifications (1 of 4 stars). 2 submissions from 2 submitters: Pathogenic (1); Uncertain significance (1). Last evaluated 2021-02-19.

Conditions:
Sotos syndrome (SOTOS). Also called: Sotos' syndrome; CHROMOSOME 5q35 DELETION SYNDROME; SOTOS SYNDROME 1; Distinctive facial appearance, overgrowth in childhood, and learning disabilities or delayed development; CEREBRAL GIGANTISM. Identifiers: Orphanet 821, MedGen C0175695, MONDO:0019349, OMIM 117550.

Submissions (2):

Baylor Genetics
Classification: Pathogenic for Sotos syndrome. Last evaluated: 2021-02-19. Review status: criteria provided, single submitter. Criteria: ACMG Guidelines, 2015. Collection method: clinical testing. Allele origin: unknown.

Labcorp Genetics (formerly Invitae), Labcorp
Classification: Uncertain significance. Last evaluated: 2020-07-31. Review status: criteria provided, single submitter. Criteria: Invitae Variant Classification Sherloc (09022015). Collection method: clinical testing. Allele origin: germline.
Comment: This sequence change results in a premature translational stop signal in the NSD1 gene (p.Thr263Lysfs*18). However, it is currently unclear if variants that occur in this region of the gene cause disease. This variant is not present in population databases (ExAC no frequency). This variant has not been reported in the literature in individuals with NSD1-related conditions. Experimental studies and prediction algorithms are not available or were not evaluated, and the functional significance of this variant is currently unknown. In summary, the available evidence is currently insufficient to determine the role of this variant in disease. Therefore, it has been classified as a Variant of Uncertain Significance.